The following is an entry in ClinVar:

ClinVar aggregate classification (germline): Uncertain significance (1 of 4 stars; one submission).

Submission:

Labcorp Genetics (formerly Invitae), Labcorp
Classification: Uncertain significance. Last evaluated: 2022-03-20. Review status: criteria provided, single submitter. Criteria: Invitae Variant Classification Sherloc (09022015). Collection method: clinical testing. Allele origin: germline.
Comment: In summary, the available evidence is currently insufficient to determine the role of this variant in disease. Therefore, it has been classified as a Variant of Uncertain Significance. This variant has not been reported in the literature in individuals affected with GCM2-related conditions. Experimental studies and prediction algorithms are not available or were not evaluated, and the functional significance of this variant is currently unknown. This variant is not present in population databases (gnomAD no frequency). This sequence change results in a frameshift in the GCM2 gene (p.Ser470Leufs*61). While this is not anticipated to result in nonsense mediated decay, it is expected to disrupt the last 37 amino acid(s) of the GCM2 protein and extend the protein by 23 additional amino acid residues.

NM_004752.4(GCM2):c.1408del (p.Ser470fs)

Gene: GCM2 (glial cells missing transcription factor 2; minus strand). Cytogenetic location: 6p24.2.
Variant type: Deletion.
Coding change: c.1408del on transcript NM_004752.4 (MANE Select); coding-DNA position 1408, one base deleted (T; older notation c.1408delT).
Protein change: p.Ser470fs; shifts the reading frame from serine 470.
Molecular consequence: frameshift variant.
Genome position (GRCh38, 1-based): chr6:10,874,108, A deleted on the plus strand (T on the coding strand, the reverse complement: GCM2 is on the minus strand). VCF-style (leftmost placement, unchanged base first): chr6-10874107-GA-G. GRCh37 (hg19) VCF-style: chr6-10874340-GA-G.
Other names: short protein forms S470fs.
Identifiers: ClinVar variation 2115141 (VCV002115141.4), dbSNP rs2532748089, ClinGen allele CA2580074216.
Genomic context (GRCh38, chr6:10,874,107, plus strand): 5'-CTGACTGCGGAGCCCAGCCCAGACAGACACACATCCCAAGTCTCTGCTTCATCTGTCCTA[GA>G]GGAAACTGGCTCGTGGGGAATAGCCACAGTGGGTCTGATGGCCCGGCAATCTCCTGCAAT-3'